The following is an entry in ClinVar:

NM_000391.4(TPP1):c.6A>T (p.Gly2=)

Gene: TPP1 (tripeptidyl peptidase 1; minus strand). Cytogenetic location: 11p15.4.
Variant type: single nucleotide variant.
Coding change: c.6A>T on transcript NM_000391.4 (MANE Select); coding-DNA position 6, A replaced by T.
Protein change: p.Gly2=; no amino-acid change (glycine 2 retained).
Molecular consequence: synonymous variant.
Genome position (GRCh38, 1-based): chr11:6,619,395, T>A on the plus strand (A>T on the coding strand, the complement: TPP1 is on the minus strand). VCF-style: chr11-6619395-T-A. GRCh37 (hg19) VCF-style: chr11-6640626-T-A.
Identifiers: ClinVar variation 516764 (VCV000516764.17), dbSNP rs747594496, ClinGen allele CA5859105.

ClinVar aggregate classification (germline): Conflicting classifications of pathogenicity. Review status: criteria provided, conflicting classifications (1 of 4 stars). 4 submissions from 4 submitters: Uncertain significance (1); Likely benign (3). Last evaluated 2025-11-15.

Allele frequency attached by ClinVar (database versions not stated): ExAC 0.00002; gnomAD exomes 0.00005.
gnomAD v4.1: 25 of 1,613,932 alleles (0.0015%); highest among the groups gnomAD compares: Admixed American, 0.017%; no homozygotes.

Submissions (4):

Labcorp Genetics (formerly Invitae), Labcorp
Classification: Likely benign. Last evaluated: 2025-11-15. Review status: criteria provided, single submitter. Criteria: Invitae Variant Classification Sherloc (09022015). Collection method: clinical testing. Allele origin: germline.

Blueprint Genetics
Classification: Likely benign. Last evaluated: 2024-03-04. Review status: criteria provided, single submitter. Criteria: ACMG Guidelines, 2015. Collection method: clinical testing. Allele origin: germline.

GeneDx
Classification: Likely benign. Last evaluated: 2018-02-05. Review status: criteria provided, single submitter. Criteria: GeneDx Variant Classification (06012015). Collection method: clinical testing. Allele origin: germline. Affected: yes.
Comment: This variant is considered likely benign or benign based on one or more of the following criteria: it is a conservative change, it occurs at a poorly conserved position in the protein, it is predicted to be benign by multiple in silico algorithms, and/or has population frequency not consistent with disease.

Eurofins Ntd Llc (ga)
Classification: Uncertain significance. Last evaluated: 2017-08-16. Review status: criteria provided, single submitter. Criteria: EGL Classification Definitions 2015. Collection method: clinical testing. Allele origin: germline. Observed: 1 variant allele, 1 heterozygote.